The following is an entry in ClinVar:

NM_007194.4(CHEK2):c.1027A>C (p.Ile343Leu)

Gene: CHEK2 (checkpoint kinase 2; minus strand). Cytogenetic location: 22q12.1.
Variant type: single nucleotide variant.
Coding change: c.1027A>C on transcript NM_007194.4 (MANE Select); coding-DNA position 1027, A replaced by C.
Protein change: p.Ile343Leu; replaces isoleucine 343 with leucine.
Molecular consequence: missense variant. On other transcripts: intron variant (3).
Genome position (GRCh38, 1-based): chr22:28,696,969, T>G on the plus strand (A>C on the coding strand, the complement: CHEK2 is on the minus strand). VCF-style: chr22-28696969-T-G. GRCh37 (hg19) VCF-style: chr22-29092957-T-G.
Other names: c.1156A>C, p.Ile386Leu (NM_001005735.3); c.364A>C, p.Ile122Leu (NM_001257387.3, NM_001437942.1); c.826A>C, p.Ile276Leu (NM_001349956.3); c.1120A>C, p.Ile374Leu (NM_001438293.1); c.1009-1096A>C (NM_145862.3); c.1102-1096A>C (NM_001438295.1); c.1138-1096A>C (NM_001438294.1); short protein forms I276L, I122L, I374L, I386L, I343L.
Identifiers: ClinVar variation 5034551 (VCV005034551.1).

ClinVar aggregate classification (germline): Uncertain significance (1 of 4 stars; one submission).

Conditions:
Hereditary cancer-predisposing syndrome. Also called: Hereditary Cancer Syndrome; Neoplastic Syndromes, Hereditary; Tumor predisposition; Hereditary neoplastic syndrome. Identifiers: Orphanet 140162, MedGen C0027672, MeSH D009386, MONDO:0015356.

Submission:

Ambry Genetics
Classification: Uncertain significance for Hereditary cancer-predisposing syndrome. Last evaluated: 2026-07-01. Review status: criteria provided, single submitter. Criteria: Ambry Variant Classification Scheme 2023. Collection method: clinical testing. Allele origin: germline.
Comment: The p.I343L variant (also known as c.1027A>C), located in coding exon 9 of the CHEK2 gene, results from an A to C substitution at nucleotide position 1027. The isoleucine at codon 343 is replaced by leucine, an amino acid with highly similar properties. This amino acid position is highly conserved in available vertebrate species. In addition, the in silico prediction for this alteration is inconclusive. Based on the available evidence, the clinical significance of this variant remains unclear.